The following is an entry in ClinVar:

ClinVar aggregate classification (germline): Uncertain significance (1 of 4 stars; one submission).

Conditions:
Neonatal encephalomyopathy-cardiomyopathy-respiratory distress syndrome. Also called: Coenzyme Q10 deficiency, primary, 7. Identifiers: Orphanet 457185, MedGen C5568562, MONDO:0014562, OMIM 616276.

Submission:

Labcorp Genetics (formerly Invitae), Labcorp
Classification: Uncertain significance for Neonatal encephalomyopathy-cardiomyopathy-respiratory distress syndrome. Last evaluated: 2022-08-05. Review status: criteria provided, single submitter. Criteria: Invitae Variant Classification Sherloc (09022015). Collection method: clinical testing. Allele origin: germline.
Comment: In summary, the available evidence is currently insufficient to determine the role of this variant in disease. Therefore, it has been classified as a Variant of Uncertain Significance. Algorithms developed to predict the effect of missense changes on protein structure and function are either unavailable or do not agree on the potential impact of this missense change (SIFT: "Deleterious"; PolyPhen-2: "Probably Damaging"; Align-GVGD: "Class C15"). This variant has not been reported in the literature in individuals affected with COQ4-related conditions. This variant is not present in population databases (gnomAD no frequency). This sequence change replaces aspartic acid, which is acidic and polar, with glycine, which is neutral and non-polar, at codon 148 of the COQ4 protein (p.Asp148Gly).

NM_016035.5(COQ4):c.443A>G (p.Asp148Gly)

Gene: COQ4 (coenzyme Q4; plus strand). Cytogenetic location: 9q34.11.
Variant type: single nucleotide variant.
Coding change: c.443A>G on transcript NM_016035.5 (MANE Select); coding-DNA position 443, A replaced by G.
Protein change: p.Asp148Gly; replaces aspartic acid 148 with glycine.
Molecular consequence: missense variant. On other transcripts: intron variant (1).
Genome position (GRCh38, 1-based): chr9:128,332,193, A>G. VCF-style: chr9-128332193-A-G. GRCh37 (hg19) VCF-style: chr9-131094472-A-G.
Other names: c.*3-1281A>G (NM_001305942.2); short protein forms D148G.
Identifiers: ClinVar variation 1715200 (VCV001715200.3), dbSNP rs998081184, ClinGen allele CA200341632.
Genomic context (GRCh38, chr9:128,332,193, plus strand): 5'-GGGAGGCTCATGGTTGTCAGAGGGTCTCCCCAGACACCCGAGCACCCACCCGCTTCGTGG[A>G]TGATGAGGAGCTAGCGTATGTGATTCAGCGGTACCGGGAGGTGCACGACATGCTTCACAC-3'
Protein context (NP_057119.3, residues 138-158): PDTRAPTRFV[Asp148Gly]DEELAYVIQR